The following is an entry in ClinVar:

NM_000179.3(MSH6):c.4081_4082del (p.Ter1361AspextTer?)

Gene: MSH6 (mutS homolog 6; plus strand). Cytogenetic location: 2p16.3.
Variant type: Microsatellite.
Coding change: c.4081_4082del on transcript NM_000179.3 (MANE Select); coding-DNA positions 4081 to 4082, 2 bases deleted (TA; older notation c.4081_4082delTA).
Protein change: p.Ter1361AspextTer?.
Molecular consequence: frameshift variant, stop lost.
Genome position (GRCh38, 1-based): chr2:47,806,858-47,806,859, TA deleted; deleting any 2 consecutive bases within chr2:47,806,856-47,806,859 gives the same sequence; the c. name uses the placement nearest the transcript's 3' end. VCF-style (leftmost placement, unchanged base first): chr2-47806855-TTA-T. GRCh37 (hg19) VCF-style: chr2-48033994-TTA-T.
Other names: c.3691_3692del, p.Ter1231AspextTer? (NM_001281492.2); c.3175_3176del, p.Ter1059AspextTer? (NM_001281493.2, NM_001281494.2); c.4079_4080delTA (NM_000179.2).
Identifiers: ClinVar variation 216860 (VCV000216860.17), dbSNP rs863224830, ClinGen allele CA336708.
Genomic context (GRCh38, chr2:47,806,855, plus strand): 5'-AGTGAAAGGTCAACTGTAGATGCTGAAGCTGTCCATAAATTGCTGACTTTGATTAAGGAA[TTA>T]TAGACTGACTACATTGGAAGCTTTGAGTTGACTTCTGACAAAGGTGGTAAATTCAGACAA-3'

ClinVar aggregate classification (germline): Uncertain significance. Review status: criteria provided, multiple submitters, no conflicts (2 of 4 stars). 6 submissions from 5 submitters: Uncertain significance (6). Last evaluated 2025-09-27.

Conditions:
Hereditary nonpolyposis colorectal neoplasms. Identifiers: MedGen C0009405, MeSH D003123.
Hereditary cancer-predisposing syndrome. Also called: Neoplastic Syndromes, Hereditary; Hereditary neoplastic syndrome; Tumor predisposition; Hereditary Cancer Syndrome. Identifiers: Orphanet 140162, MedGen C0027672, MeSH D009386, MONDO:0015356.
Lynch syndrome. Identifiers: Orphanet 144, MedGen C4552100, MONDO:0005835. Disease mechanism: loss of function.

Submissions (6):

Labcorp Genetics (formerly Invitae), Labcorp
Classification: Uncertain significance for Hereditary nonpolyposis colorectal neoplasms. Last evaluated: 2025-09-27. Review status: criteria provided, single submitter. Criteria: Invitae Variant Classification Sherloc (09022015). Collection method: clinical testing. Allele origin: germline.
Comment: This sequence change disrupts the translational stop signal of the MSH6 mRNA. It is expected to extend the length of the MSH6 protein by 1 additional amino acid residues. This variant is present in population databases (no rsID available, gnomAD 0.007%). This variant has not been reported in the literature in individuals affected with MSH6-related conditions. ClinVar contains an entry for this variant (Variation ID: 216860). Experimental studies and prediction algorithms are not available or were not evaluated, and the functional significance of this variant is currently unknown. In summary, the available evidence is currently insufficient to determine the role of this variant in disease. Therefore, it has been classified as a Variant of Uncertain Significance.

Ambry Genetics
Classification: Uncertain significance for Hereditary cancer-predisposing syndrome. Last evaluated: 2025-03-14. Review status: criteria provided, single submitter. Criteria: Ambry Variant Classification Scheme 2023. Collection method: clinical testing. Allele origin: germline.
Comment: The c.4081_4082delTA variant, located in coding exon 10 of the MSH6 gene, results from a deletion of two nucleotides at nucleotide positions 4081 to 4082, causing a translational frameshift with a predicted alternate stop codon (p.*1361Dext*1). This alteration disrupts the stop codon of the MSH6 gene and is predicted to preserve the native sequence while resulting in the elongation of the protein by one amino acid. The exact functional effect of the additional amino acid is unknown. Since supporting evidence is limited at this time, the clinical significance of this alteration remains unclear.

GeneDx
Classification: Uncertain significance. Last evaluated: 2024-05-16. Review status: criteria provided, single submitter. Criteria: GeneDx Variant Classification Process June 2021. Collection method: clinical testing. Allele origin: germline. Affected: yes.
Comment: Stop codon loss and change to an aspartic acid codon, leading to protein extension and the addition of 1 amino acid at the C-terminus; Not observed at significant frequency in large population cohorts (gnomAD); Has not been previously published as pathogenic or benign to our knowledge; This variant is associated with the following publications: (PMID: 36922933)

Revvity Omics, Revvity
Classification: Uncertain significance. Last evaluated: 2020-08-25. Review status: criteria provided, single submitter. Criteria: ACMG Guidelines, 2015. Collection method: clinical testing. Allele origin: germline.

Quest Diagnostics Nichols Institute San Juan Capistrano
Classification: Uncertain significance. Last evaluated: 2019-10-20. Review status: criteria provided, single submitter. Criteria: Quest Diagnostics criteria. Collection method: clinical testing. Allele origin: unknown.

Labcorp Genetics (formerly Invitae), Labcorp
Classification: Uncertain significance for Lynch syndrome. Last evaluated: 2015-04-22. Review status: criteria provided, single submitter. Criteria: Invitae Variant Classification Sherloc (09022015). Collection method: clinical testing. Allele origin: germline.
Comment: This sequence change deletes 2 nucleotide from exon 10 of the MSH6 mRNA (c.4079_4080delTA). This deletion disrupts the translational stop signal of the MSH6 mRNA and it is expected to extend the length of the MSH6 protein by 2 additional amino acid residues (p.*1361Aspext*2). The effect of this extension on protein function is uncertain. This variant has not been published in the literature and is not present in population databases. In summary, this is a novel stop-loss variant with uncertain impact on protein function. It has been classified as a Variant of Uncertain Significance.